The following is an entry in ClinVar:

ClinVar aggregate classification (germline): Pathogenic/Likely pathogenic. Review status: criteria provided, multiple submitters, no conflicts (2 of 4 stars). 2 submissions from 2 submitters: Pathogenic (1); Likely pathogenic (1). Last evaluated 2023-11-24.

Conditions:
Familial thoracic aortic aneurysm and aortic dissection (TAAD). Also called: Thoracic aortic aneurysms and dissections. Identifiers: Orphanet 91387, MedGen C4707243, MONDO:0019625.
Marfan syndrome (MFS). Also called: Marfan syndrome type 1; Marfan syndrome, classic; Marfan's syndrome; FBN1-Related Marfan Syndrome; MARFAN SYNDROME, TYPE I. Identifiers: Orphanet 284963, Orphanet 558, MedGen C0024796, MONDO:0007947, OMIM 154700.

Submissions (2):

Labcorp Genetics (formerly Invitae), Labcorp
Classification: Pathogenic for Marfan syndrome; Familial thoracic aortic aneurysm and aortic dissection. Last evaluated: 2023-11-24. Review status: criteria provided, single submitter. Criteria: Invitae Variant Classification Sherloc (09022015). Collection method: clinical testing. Allele origin: germline.
Comment: This sequence change replaces cysteine, which is neutral and slightly polar, with tryptophan, which is neutral and slightly polar, at codon 1989 of the FBN1 protein (p.Cys1989Trp). This variant is not present in population databases (gnomAD no frequency). This missense change has been observed in individual(s) with Marfan syndrome (Invitae). ClinVar contains an entry for this variant (Variation ID: 519772). Advanced modeling of protein sequence and biophysical properties (such as structural, functional, and spatial information, amino acid conservation, physicochemical variation, residue mobility, and thermodynamic stability) performed at Invitae indicates that this missense variant is expected to disrupt FBN1 protein function with a positive predictive value of 95%. This variant affects a cysteine residue in the EGF-like, TGFBP or hybrid motif domains of FBN1. Cysteine residues are believed to be involved in intramolecular disulfide bridges and have been shown to be important for FBN1 protein structure (PMID: 16905551, 19349279). In addition, missense substitutions affecting cysteine residues within these domains are significantly overrepresented among patients with Marfan syndrome (PMID: 16571647, 17701892). This variant disrupts the p.Cys1989 amino acid residue in FBN1. Other variant(s) that disrupt this residue have been observed in individuals with FBN1-related conditions (PMID: 27906200, 33436942; Invitae), which suggests that this may be a clinically significant amino acid residue. For these reasons, this variant has been classified as Pathogenic.

Ambry Genetics
Classification: Likely pathogenic for Familial thoracic aortic aneurysm and aortic dissection. Last evaluated: 2017-04-28. Review status: criteria provided, single submitter. Criteria: Ambry Variant Classification Scheme 2023. Collection method: clinical testing. Allele origin: germline.
Comment: The p.C1989W variant (also known as c.5967T>G), located in coding exon 48 of the FBN1 gene, results from a T to G substitution at nucleotide position 5967. The cysteine at codon 1989 is replaced by tryptophan, an amino acid with highly dissimilar properties, and is located in the cbEGF-like #30 domain. Based on internal structural assessment, this alteration will disrupt a conserved disulfide with C1977 in cbEGF-like #30 domain, which is disrupted by other well characterized pathogenic alterations (Downing AK et al. Cell, 1996 May;85:597-605). The majority of FBN1 mutations identified to date have involved the substitution or generation of cysteine residues within cbEGF domains (Vollbrandt T et al. J Biol Chem. 2004;279(31):32924-32931). This amino acid position is highly conserved in available vertebrate species. In addition, this alteration is predicted to be deleterious by in silico analysis. Based on the majority of available evidence to date, this variant is likely to be pathogenic.

Literature cited by the submitters: PubMed 16905551 (cited by Labcorp Genetics (formerly Invitae), Labcorp); PubMed 19349279 (cited by Labcorp Genetics (formerly Invitae), Labcorp); PubMed 16571647 (cited by Labcorp Genetics (formerly Invitae), Labcorp); PubMed 17701892 (cited by Labcorp Genetics (formerly Invitae), Labcorp); PubMed 27906200 (cited by Labcorp Genetics (formerly Invitae), Labcorp); PubMed 33436942 (cited by Labcorp Genetics (formerly Invitae), Labcorp); PubMed 8653794 (cited by Ambry Genetics).

NM_000138.5(FBN1):c.5967T>G (p.Cys1989Trp)

Gene: FBN1 (fibrillin 1; minus strand). Cytogenetic location: 15q21.1.
Variant type: single nucleotide variant.
Coding change: c.5967T>G on transcript NM_000138.5 (MANE Select); coding-DNA position 5967, T replaced by G.
Protein change: p.Cys1989Trp; replaces cysteine 1989 with tryptophan.
Molecular consequence: missense variant.
Genome position (GRCh38, 1-based): chr15:48,444,611, A>C on the plus strand (T>G on the coding strand, the complement: FBN1 is on the minus strand). VCF-style: chr15-48444611-A-C. GRCh37 (hg19) VCF-style: chr15-48736808-A-C.
Other names: short protein forms C1989W.
Identifiers: ClinVar variation 519772 (VCV000519772.8), dbSNP rs1555395652, ClinGen allele CA392339799.